The following is an entry in ClinVar:

NM_025145.7(CFAP43):c.2726C>T (p.Pro909Leu)

Gene: CFAP43 (cilia and flagella associated protein 43; minus strand). Cytogenetic location: 10q25.1.
Variant type: single nucleotide variant.
Coding change: c.2726C>T on transcript NM_025145.7 (MANE Select); coding-DNA position 2726, C replaced by T.
Protein change: p.Pro909Leu; replaces proline 909 with leucine.
Molecular consequence: missense variant.
Genome position (GRCh38, 1-based): chr10:104,167,703, G>A on the plus strand (C>T on the coding strand, the complement: CFAP43 is on the minus strand). VCF-style: chr10-104167703-G-A. GRCh37 (hg19) VCF-style: chr10-105927461-G-A.
Other names: short protein forms P909L.
Identifiers: ClinVar variation 4981403 (VCV004981403.1).
Genomic context (GRCh38, chr10:104,167,703, plus strand): 5'-TTCTTTTGCTGTAAAACTCTTTCCAATTCTTTCAGCTCTTCAACCGTGCGCGCTTTCATC[G>A]GGAAGTTTTCAACCACACAGGGGATATGAAAACACTTGGGGAAAAAAACGCAAGACAAAA-3'
Protein context (NP_079421.5, residues 899-919): FHIPCVVENF[Pro909Leu]MKARTVEELK

ClinVar aggregate classification (germline): Likely benign (1 of 4 stars; one submission).

Conditions:
CFAP43-related disorder. Also called: CFAP43-related condition.

gnomAD v4.1: 327 of 1,609,908 alleles (0.02%); highest among the groups gnomAD compares: South Asian, 0.3%; 4 homozygotes.

Submission:

PreventionGenetics, part of Exact Sciences
Classification: Likely benign for CFAP43-related condition. Last evaluated: 2026-02-16. Review status: criteria provided, single submitter. Criteria: ACMG Guidelines, 2015. Collection method: clinical testing. Allele origin: germline.
Comment: This variant is classified as likely benign based on ACMG/AMP sequence variant interpretation guidelines (Richards et al. 2015 PMID: 25741868, with internal and published modifications).